The following is an entry in ClinVar:

ClinVar aggregate classification (germline): Uncertain significance. Review status: criteria provided, multiple submitters, no conflicts (2 of 4 stars). 8 submissions from 8 submitters: Uncertain significance (7). 1 of the submissions does not count toward it. Last evaluated 2026-10-06.

Conditions:
EYA4-related disorder. Also called: EYA4-related disorders; EYA4-related condition. Identifiers: MedGen CN239388.
Dilated cardiomyopathy 1J (CMD1J). Also called: CARDIOMYOPATHY, DILATED, WITH SENSORINEURAL HEARING LOSS, AUTOSOMAL DOMINANT. Identifiers: Orphanet 217622, MedGen C1854368, MONDO:0011541, OMIM 605362.
Autosomal dominant nonsyndromic hearing loss 10. Identifiers: Orphanet 90635, MedGen C1832476, MONDO:0011031, OMIM 601316.
Cardiovascular phenotype. Identifiers: MedGen CN230736.

Allele frequency attached by ClinVar (database versions not stated): gnomAD 0.00001; TOPMed 0.00002; gnomAD exomes 0.00001.

Submissions (8):

GeneDx
Classification: Uncertain significance. Last evaluated: 2026-10-06. Review status: criteria provided, single submitter. Criteria: GeneDx Variant Classification Process June 2021. Collection method: clinical testing. Allele origin: germline.
Comment: Not observed at significant frequency in large population cohorts (gnomAD); In silico analysis supports that this missense variant has a deleterious effect on protein structure/function; Has not been previously published as pathogenic or benign to our knowledge

Mayo Clinic Laboratories, Mayo Clinic
Classification: Uncertain significance. Last evaluated: 2025-02-06. Review status: criteria provided, single submitter. Criteria: ACMG Guidelines, 2015. Collection method: clinical testing. Allele origin: germline. Observed: 1 variant allele.
Comment: PM2_moderate

Labcorp Genetics (formerly Invitae), Labcorp
Classification: Uncertain significance for Dilated cardiomyopathy 1J. Last evaluated: 2024-05-31. Review status: criteria provided, single submitter. Criteria: Invitae Variant Classification Sherloc (09022015). Collection method: clinical testing. Allele origin: germline.
Comment: This sequence change replaces proline, which is neutral and non-polar, with leucine, which is neutral and non-polar, at codon 362 of the EYA4 protein (p.Pro362Leu). This variant is present in population databases (no rsID available, gnomAD 0.006%). This variant has not been reported in the literature in individuals affected with EYA4-related conditions. ClinVar contains an entry for this variant (Variation ID: 505845). Advanced modeling of protein sequence and biophysical properties (such as structural, functional, and spatial information, amino acid conservation, physicochemical variation, residue mobility, and thermodynamic stability) performed at Invitae indicates that this missense variant is not expected to disrupt EYA4 protein function with a negative predictive value of 80%. In summary, the available evidence is currently insufficient to determine the role of this variant in disease. Therefore, it has been classified as a Variant of Uncertain Significance.

Ambry Genetics
Classification: Uncertain significance for Cardiovascular phenotype. Last evaluated: 2024-03-07. Review status: criteria provided, single submitter. Criteria: Ambry Variant Classification Scheme 2023. Collection method: clinical testing. Allele origin: germline.

Women's Health and Genetics/Laboratory Corporation of America, LabCorp
Classification: Uncertain significance. Last evaluated: 2023-08-19. Review status: criteria provided, single submitter. Criteria: LabCorp Variant Classification Summary - May 2015. Collection method: clinical testing. Allele origin: germline.

Fulgent Genetics
Classification: Uncertain significance for Autosomal dominant nonsyndromic hearing loss 10; Dilated cardiomyopathy 1J. Last evaluated: 2021-10-18. Review status: criteria provided, single submitter. Criteria: ACMG Guidelines, 2015. Collection method: clinical testing. Allele origin: unknown.

Laboratory for Molecular Medicine, Mass General Brigham Personalized Medicine
Classification: Uncertain significance. Last evaluated: 2017-05-25. Review status: criteria provided, single submitter. Criteria: LMM Criteria. Collection method: clinical testing. Allele origin: germline. Observed: 1 variant allele.
Comment: The p.Pro362Leu variant in EYA4 has not been previously reported in individuals with hearing loss, but has been identified in 2/33574 Latino chromosomes by the Genome Aggregation Database (gnomAD). Although this variant has been seen in the general population, its frequency is not high enough to rule out a pathogenic role. Computational prediction tools and conser vation analyses suggest that this variant may impact the protein, though this in formation is not predictive enough to determine pathogenicity. In summary, the c linical significance of the p.Pro362Leu variant is uncertain.

PreventionGenetics, part of Exact Sciences
Classification: Uncertain significance for EYA4-related condition. Last evaluated: 2024-01-05. Review status: no assertion criteria provided. Collection method: clinical testing. Allele origin: germline. Not counted in ClinVar's aggregate classification.
Comment: The EYA4 c.1085C>T variant is predicted to result in the amino acid substitution p.Pro362Leu. To our knowledge, this variant has not been reported in the literature. This variant is reported in 0.0058% of alleles in individuals of Latino descent in gnomAD. At this time, the clinical significance of this variant is uncertain due to the absence of conclusive functional and genetic evidence.

NM_004100.5(EYA4):c.1085C>T (p.Pro362Leu)

Gene: EYA4 (EYA transcriptional coactivator and phosphatase 4; plus strand). Cytogenetic location: 6q23.2.
Variant type: single nucleotide variant.
Coding change: c.1085C>T on transcript NM_004100.5 (MANE Select); coding-DNA position 1085, C replaced by T.
Protein change: p.Pro362Leu; replaces proline 362 with leucine.
Molecular consequence: missense variant.
Genome position (GRCh38, 1-based): chr6:133,481,577, C>T. VCF-style: chr6-133481577-C-T. GRCh37 (hg19) VCF-style: chr6-133802715-C-T.
Other names: c.923C>T, p.Pro308Leu (NM_001301012.2); c.1103C>T, p.Pro368Leu (NM_001301013.2); c.1016C>T, p.Pro339Leu (NM_001370458.1, NM_172103.4); c.941C>T, p.Pro314Leu (NM_001370459.1); c.1085C>T, p.Pro362Leu (NM_172105.4); short protein forms P362L, P339L, P368L, P308L, P314L.
Identifiers: ClinVar variation 505845 (VCV000505845.19), dbSNP rs1168354526, ClinGen allele CA365706540.
Genomic context (GRCh38, chr6:133,481,577, plus strand): 5'-GAACCTGTAGGAGTTCTGGGTCAAAGTCCAGAGGAAGAGGCCGGAAAAATAATCCCTCCC[C>T]GCCTCCTGATAGTGACCTGGAGGTATGCCTACTCATTCTTAAAGATTGTAGTGTGATGCT-3'
Protein context (NP_004091.3, residues 352-372): RGRGRKNNPS[Pro362Leu]PPDSDLERVF